The following is an entry in ClinVar:

ClinVar aggregate classification (germline): Pathogenic (1 of 4 stars; one submission).

Conditions:
Cerebral arteriopathy, autosomal dominant, with subcortical infarcts and leukoencephalopathy, type 1 (CADASIL1). Also called: CADASIL 1; CASIL; Cerebral arteriopathy with subcortical infarcts and leukoencephalopathy 1; DEMENTIA, HEREDITARY MULTIINFARCT TYPE. Identifiers: Orphanet 136, MedGen C4551768, MONDO:0000914, OMIM 125310.

gnomAD v4.1: 4 of 1,612,382 alleles (0.00025%); highest among the groups gnomAD compares: East Asian, 0.0022%; no homozygotes.

Submission:

Human Genetics Bochum, Ruhr University Bochum
Classification: Pathogenic for Cerebral arteriopathy, autosomal dominant, with subcortical infarcts and leukoencephalopathy, type 1. Last evaluated: 2024-05-27. Review status: criteria provided, single submitter. Criteria: ACMG Guidelines, 2015. Collection method: clinical testing. Allele origin: germline. Affected: yes.
Comment: ACMG criteria used to clasify this variant: PVS1, PM1_SUP, PM2_SUP

NM_000435.3(NOTCH3):c.307C>T (p.Arg103Ter)

Gene: NOTCH3 (notch receptor 3; minus strand). Cytogenetic location: 19p13.12.
Variant type: single nucleotide variant.
Coding change: c.307C>T on transcript NM_000435.3 (MANE Select); coding-DNA position 307, C replaced by T.
Protein change: p.Arg103Ter; replaces arginine 103 with a stop codon.
Molecular consequence: nonsense.
Genome position (GRCh38, 1-based): chr19:15,192,410, G>A on the plus strand (C>T on the coding strand, the complement: NOTCH3 is on the minus strand). VCF-style: chr19-15192410-G-A. GRCh37 (hg19) VCF-style: chr19-15303221-G-A.
Other names: short protein forms R103*.
Identifiers: ClinVar variation 4687927 (VCV004687927.1), dbSNP rs766007350.